The following is an entry in ClinVar:

ClinVar aggregate classification (germline): Uncertain significance (1 of 4 stars; one submission).

Conditions:
KBG syndrome (KBGS). Also called: ANKRD11-Related KBG Syndrome. Identifiers: Orphanet 2332, MedGen C0220687, MONDO:0007846, OMIM 148050.

Allele frequency attached by ClinVar (database versions not stated): gnomAD exomes below 0.00001.
gnomAD v4.1: 1 of 1,611,708 alleles (0.000062%); highest among the groups gnomAD compares: Non-Finnish European, 0.000085%; no homozygotes.

Submission:

Labcorp Genetics (formerly Invitae), Labcorp
Classification: Uncertain significance for KBG syndrome. Last evaluated: 2022-09-13. Review status: criteria provided, single submitter. Criteria: Invitae Variant Classification Sherloc (09022015). Collection method: clinical testing. Allele origin: germline.
Comment: This variant is not present in population databases (gnomAD no frequency). This variant has not been reported in the literature in individuals affected with ANKRD11-related conditions. Advanced modeling of protein sequence and biophysical properties (such as structural, functional, and spatial information, amino acid conservation, physicochemical variation, residue mobility, and thermodynamic stability) performed at Invitae indicates that this missense variant is not expected to disrupt ANKRD11 protein function. In summary, the available evidence is currently insufficient to determine the role of this variant in disease. Therefore, it has been classified as a Variant of Uncertain Significance. This sequence change replaces methionine, which is neutral and non-polar, with valine, which is neutral and non-polar, at codon 2566 of the ANKRD11 protein (p.Met2566Val).

NM_013275.6(ANKRD11):c.7696A>G (p.Met2566Val)

Gene: ANKRD11 (ankyrin repeat domain 11; minus strand). Cytogenetic location: 16q24.3.
Variant type: single nucleotide variant.
Coding change: c.7696A>G on transcript NM_013275.6 (MANE Select); coding-DNA position 7696, A replaced by G.
Protein change: p.Met2566Val; replaces methionine 2566 with valine.
Molecular consequence: missense variant.
Genome position (GRCh38, 1-based): chr16:89,274,831, T>C on the plus strand (A>G on the coding strand, the complement: ANKRD11 is on the minus strand). VCF-style: chr16-89274831-T-C. GRCh37 (hg19) VCF-style: chr16-89341239-T-C.
Other names: c.7696A>G, p.Met2566Val (NM_001256182.2, NM_001256183.2); short protein forms M2566V.
Identifiers: ClinVar variation 1719336 (VCV001719336.5), dbSNP rs2544178639, ClinGen allele CA397147483.